The following is an entry in ClinVar:

NM_014244.5(ADAMTS2):c.22G>A (p.Ala8Thr)

Gene: ADAMTS2 (ADAM metallopeptidase with thrombospondin type 1 motif 2; minus strand). Cytogenetic location: 5q35.3.
Variant type: single nucleotide variant.
Coding change: c.22G>A on transcript NM_014244.5 (MANE Select); coding-DNA position 22, G replaced by A.
Protein change: p.Ala8Thr; replaces alanine 8 with threonine.
Molecular consequence: missense variant.
Genome position (GRCh38, 1-based): chr5:179,345,307, C>T on the plus strand (G>A on the coding strand, the complement: ADAMTS2 is on the minus strand). VCF-style: chr5-179345307-C-T. GRCh37 (hg19) VCF-style: chr5-178772308-C-T.
Other names: c.22G>A, p.Ala8Thr (NM_021599.4); short protein forms A8T.
Identifiers: ClinVar variation 1386644 (VCV001386644.3), dbSNP rs1267078082, ClinGen allele CA362624042.

ClinVar aggregate classification (germline): Uncertain significance (1 of 4 stars; one submission).

Conditions:
Ehlers-Danlos syndrome, dermatosparaxis type. Also called: Dermatosparaxis; Ehlers-Danlos syndrome, type VII, autosomal recessive; EDS VIIC. Identifiers: Orphanet 1901, MedGen C2700425, MONDO:0009161, OMIM 225410.

gnomAD v4.1: 4 of 1,133,926 alleles (0.00035%); highest among the groups gnomAD compares: African/African-American, 0.0033%; no homozygotes.

Submission:

Labcorp Genetics (formerly Invitae), Labcorp
Classification: Uncertain significance for Ehlers-Danlos syndrome, dermatosparaxis type. Last evaluated: 2022-08-23. Review status: criteria provided, single submitter. Criteria: Invitae Variant Classification Sherloc (09022015). Collection method: clinical testing. Allele origin: germline.
Comment: This sequence change replaces alanine, which is neutral and non-polar, with threonine, which is neutral and polar, at codon 8 of the ADAMTS2 protein (p.Ala8Thr). This variant is not present in population databases (gnomAD no frequency). This variant has not been reported in the literature in individuals affected with ADAMTS2-related conditions. ClinVar contains an entry for this variant (Variation ID: 1386644). Algorithms developed to predict the effect of missense changes on protein structure and function are either unavailable or do not agree on the potential impact of this missense change (SIFT: "Deleterious"; PolyPhen-2: "Not Available"; Align-GVGD: "Class C0"). In summary, the available evidence is currently insufficient to determine the role of this variant in disease. Therefore, it has been classified as a Variant of Uncertain Significance.